The following is an entry in ClinVar:

NM_021076.4(NEFH):c.988A>T (p.Thr330Ser)

Gene: NEFH (neurofilament heavy chain; plus strand). Cytogenetic location: 22q12.2.
Variant type: single nucleotide variant.
Coding change: c.988A>T on transcript NM_021076.4 (MANE Select); coding-DNA position 988, A replaced by T.
Protein change: p.Thr330Ser; replaces threonine 330 with serine.
Molecular consequence: missense variant.
Genome position (GRCh38, 1-based): chr22:29,483,479, A>T. VCF-style: chr22-29483479-A-T. GRCh37 (hg19) VCF-style: chr22-29879468-A-T.
Other names: short protein forms T330S.
Identifiers: ClinVar variation 2120613 (VCV002120613.4), dbSNP rs1602964935, ClinGen allele CA411125323.

ClinVar aggregate classification (germline): Uncertain significance (1 of 4 stars; one submission).

Allele frequency attached by ClinVar (database versions not stated): gnomAD exomes below 0.00001.

Submission:

Labcorp Genetics (formerly Invitae), Labcorp
Classification: Uncertain significance. Last evaluated: 2022-09-17. Review status: criteria provided, single submitter. Criteria: Invitae Variant Classification Sherloc (09022015). Collection method: clinical testing. Allele origin: germline.
Comment: Advanced modeling of protein sequence and biophysical properties (such as structural, functional, and spatial information, amino acid conservation, physicochemical variation, residue mobility, and thermodynamic stability) performed at Invitae indicates that this missense variant is not expected to disrupt NEFH protein function. This variant has not been reported in the literature in individuals affected with NEFH-related conditions. This variant is not present in population databases (gnomAD no frequency). This sequence change replaces threonine, which is neutral and polar, with serine, which is neutral and polar, at codon 330 of the NEFH protein (p.Thr330Ser). In summary, the available evidence is currently insufficient to determine the role of this variant in disease. Therefore, it has been classified as a Variant of Uncertain Significance.